The following is an entry in ClinVar:

ClinVar aggregate classification (germline): Uncertain significance. Review status: criteria provided, multiple submitters, no conflicts (2 of 4 stars). 3 submissions from 3 submitters: Uncertain significance (2). 1 of the submissions does not count toward it. Last evaluated 2024-01-23.

Conditions:
Encephalomyopathy with respiratory failure and lactic acidosis.
Inborn genetic diseases. Identifiers: MedGen C0950123, MeSH D030342.

Allele frequency attached by ClinVar (database versions not stated): gnomAD 0.00001; TOPMed 0.00001; ExAC 0.00006; 1000 Genomes Project 30x 0.00016; 1000 Genomes Project 0.00020.

Submissions (3):

Ambry Genetics
Classification: Uncertain significance for Inborn genetic diseases. Last evaluated: 2024-01-23. Review status: criteria provided, single submitter. Criteria: Ambry Variant Classification Scheme 2023. Collection method: clinical testing. Allele origin: germline.

Labcorp Genetics (formerly Invitae), Labcorp
Classification: Uncertain significance. Last evaluated: 2022-07-19. Review status: criteria provided, single submitter. Criteria: Invitae Variant Classification Sherloc (09022015). Collection method: clinical testing. Allele origin: germline.
Comment: This sequence change replaces tyrosine, which is neutral and polar, with phenylalanine, which is neutral and non-polar, at codon 18 of the TSFM protein (p.Tyr18Phe). This variant is present in population databases (rs548510701, gnomAD 0.06%). This variant has not been reported in the literature in individuals affected with TSFM-related conditions. ClinVar contains an entry for this variant (Variation ID: 989550). Algorithms developed to predict the effect of missense changes on protein structure and function (SIFT, PolyPhen-2, Align-GVGD) all suggest that this variant is likely to be tolerated. In summary, the available evidence is currently insufficient to determine the role of this variant in disease. Therefore, it has been classified as a Variant of Uncertain Significance.

Natera, Inc.
Classification: Likely benign for Encephalomyopathy with respiratory failure and lactic acidosis. Last evaluated: 2020-10-29. Review status: no assertion criteria provided. Collection method: clinical testing. Allele origin: germline. Not counted in ClinVar's aggregate classification.

NM_005726.6(TSFM):c.53A>T (p.Tyr18Phe)

Gene: TSFM (Ts translation elongation factor, mitochondrial; plus strand). Cytogenetic location: 12q14.1.
Variant type: single nucleotide variant.
Coding change: c.53A>T on transcript NM_005726.6 (MANE Select); coding-DNA position 53, A replaced by T.
Protein change: p.Tyr18Phe; replaces tyrosine 18 with phenylalanine.
Molecular consequence: missense variant.
Genome position (GRCh38, 1-based): chr12:57,782,854, A>T. VCF-style: chr12-57782854-A-T. GRCh37 (hg19) VCF-style: chr12-58176637-A-T.
Other names: c.53A>T, p.Tyr18Phe (NM_001172695.2, NM_001172696.2, NM_001172697.2); c.53A>T (NM_001172696.1); short protein forms Y18F.
Identifiers: ClinVar variation 989550 (VCV000989550.4), dbSNP rs548510701, ClinGen allele CA6659186.